The following is an entry in ClinVar:

ClinVar aggregate classification (germline): Uncertain significance (1 of 4 stars; one submission).

Conditions:
Catecholaminergic polymorphic ventricular tachycardia (CVPT). Also called: Catecholamine-induced polymorphic ventricular tachycardia. Identifiers: Orphanet 3286, MedGen C5574922, MONDO:0017990.

Allele frequency attached by ClinVar (database versions not stated): gnomAD exomes below 0.00001.
gnomAD v4.1: 1 of 1,611,210 alleles (0.000062%); highest among the groups gnomAD compares: Non-Finnish European, 0.000085%; no homozygotes.

Submission:

All of Us Research Program, National Institutes of Health
Classification: Uncertain significance for Catecholaminergic polymorphic ventricular tachycardia. Last evaluated: 2023-06-26. Review status: criteria provided, single submitter. Criteria: ACMG Guidelines, 2015. Collection method: clinical testing. Allele origin: germline. Inheritance: Autosomal dominant inheritance. Observed: 1 variant allele, 1 heterozygote.
Comment: This missense variant replaces glutamic acid with glycine at codon 4361 of the RYR2 protein. Computational prediction is inconclusive regarding the impact of this variant on protein structure and function (internally defined REVEL score threshold 0.5 < inconclusive < 0.7, PMID: 27666373). To our knowledge, functional studies have not been reported for this variant. This variant has not been reported in individuals affected with RYR2-related disorders in the literature. This variant has not been identified in the general population by the Genome Aggregation Database (gnomAD). The available evidence is insufficient to determine the role of this variant in disease conclusively. Therefore, this variant is classified as a Variant of Uncertain Significance.

This study involves interpretation of variants in research participants for the purpose of population health screening. Participant phenotype was not available at the time of variant classification. Additional details can be found in publication PMID: 35346344, PMCID: PMC8962531

NM_001035.3(RYR2):c.13082A>G (p.Glu4361Gly)

Genes: RYR2 (ryanodine receptor 2; plus strand), LOC126806068 (BRD4-independent group 4 enhancer GRCh37_chr1:237947411-237948610; plus strand). Cytogenetic location: 1q43.
Variant type: single nucleotide variant.
Coding change: c.13082A>G on transcript NM_001035.3 (MANE Select); coding-DNA position 13082, A replaced by G.
Protein change: p.Glu4361Gly; replaces glutamic acid 4361 with glycine.
Molecular consequence: missense variant.
Genome position (GRCh38, 1-based): chr1:237,784,794, A>G. VCF-style: chr1-237784794-A-G. GRCh37 (hg19) VCF-style: chr1-237948094-A-G.
Other names: short protein forms E4361G.
Identifiers: ClinVar variation 3072120 (VCV003072120.1), dbSNP rs2527799012, ClinGen allele CA345415225.